The following is an entry in ClinVar:

NM_182914.3(SYNE2):c.16313A>G (p.Asp5438Gly)

Gene: SYNE2 (spectrin repeat containing nuclear envelope protein 2; plus strand). Cytogenetic location: 14q23.2.
Variant type: single nucleotide variant.
Coding change: c.16313A>G on transcript NM_182914.3 (MANE Select); coding-DNA position 16313, A replaced by G.
Protein change: p.Asp5438Gly; replaces aspartic acid 5438 with glycine.
Molecular consequence: missense variant.
Genome position (GRCh38, 1-based): chr14:64,163,415, A>G. VCF-style: chr14-64163415-A-G. GRCh37 (hg19) VCF-style: chr14-64630133-A-G.
Other names: c.16313A>G, p.Asp5438Gly (NM_015180.6); short protein forms D5438G.
Identifiers: ClinVar variation 470945 (VCV000470945.12), dbSNP rs374348890, ClinGen allele CA7223350.

ClinVar aggregate classification (germline): Uncertain significance. Review status: criteria provided, multiple submitters, no conflicts (2 of 4 stars). 2 submissions from 2 submitters: Uncertain significance (2). Last evaluated 2025-10-27.

Conditions:
Emery-Dreifuss muscular dystrophy 5, autosomal dominant (EDMD5). Also called: EMERY-DREIFUSS MUSCULAR DYSTROPHY 5. Identifiers: Orphanet 261, MedGen C2751805, MONDO:0013072, OMIM 612999.

Allele frequency attached by ClinVar (database versions not stated): gnomAD exomes 0.00001 and 0.00004; ExAC 0.00002; gnomAD 0.00004 and 0.00005; TOPMed 0.00006; ESP Exome Variant Server 0.00008.
gnomAD v4.1: 59 of 1,613,904 alleles (0.0037%); highest among the groups gnomAD compares: Non-Finnish European, 0.0047%; no homozygotes.

Submissions (2):

Labcorp Genetics (formerly Invitae), Labcorp
Classification: Uncertain significance for Emery-Dreifuss muscular dystrophy 5, autosomal dominant. Last evaluated: 2025-10-27. Review status: criteria provided, single submitter. Criteria: Invitae Variant Classification Sherloc (09022015). Collection method: clinical testing. Allele origin: germline.
Comment: This sequence change replaces aspartic acid, which is acidic and polar, with glycine, which is neutral and non-polar, at codon 5438 of the SYNE2 protein (p.Asp5438Gly). This variant is present in population databases (rs374348890, gnomAD 0.004%). This variant has not been reported in the literature in individuals affected with SYNE2-related conditions. ClinVar contains an entry for this variant (Variation ID: 470945). An algorithm developed to predict the effect of missense changes on protein structure and function (PolyPhen-2) suggests that this variant is likely to be disruptive. In summary, the available evidence is currently insufficient to determine the role of this variant in disease. Therefore, it has been classified as a Variant of Uncertain Significance.

Revvity Omics, Revvity
Classification: Uncertain significance for Emery-Dreifuss muscular dystrophy 5, autosomal dominant. Last evaluated: 2019-07-03. Review status: criteria provided, single submitter. Criteria: ACMG Guidelines, 2015. Collection method: clinical testing. Allele origin: germline.